The following is an entry in ClinVar:

ClinVar aggregate classification (germline): Uncertain significance (1 of 4 stars; one submission).

Conditions:
Hereditary pancreatitis (PCTT). Also called: Hereditary chronic pancreatitis; PRSS1-Related Hereditary Pancreatitis. Identifiers: Orphanet 676, MedGen C0238339, MONDO:0008185, OMIM 167800.

Submission:

Ambry Genetics
Classification: Uncertain significance for Hereditary pancreatitis. Last evaluated: 2021-12-10. Review status: criteria provided, single submitter. Criteria: Ambry Variant Classification Scheme 2023. Collection method: clinical testing. Allele origin: germline.
Comment: The p.Y119S variant (also known as c.356A>C), located in coding exon 3 of the CPA1 gene, results from an A to C substitution at nucleotide position 356. The tyrosine at codon 119 is replaced by serine, an amino acid with dissimilar properties. This amino acid position is conserved. In addition, the in silico prediction for this alteration is inconclusive. Since supporting evidence is limited at this time, the clinical significance of this alteration remains unclear.

NM_001868.4(CPA1):c.356A>C (p.Tyr119Ser)

Gene: CPA1 (carboxypeptidase A1; plus strand). Cytogenetic location: 7q32.2.
Variant type: single nucleotide variant.
Coding change: c.356A>C on transcript NM_001868.4 (MANE Select); coding-DNA position 356, A replaced by C.
Protein change: p.Tyr119Ser; replaces tyrosine 119 with serine.
Molecular consequence: missense variant.
Genome position (GRCh38, 1-based): chr7:130,381,838, A>C. VCF-style: chr7-130381838-A-C. GRCh37 (hg19) VCF-style: chr7-130021679-A-C.
Other names: short protein forms Y119S.
Identifiers: ClinVar variation 1732766 (VCV001732766.2), dbSNP rs1554411244, ClinGen allele CA369280457.
Genomic context (GRCh38, chr7:130,381,838, plus strand): 5'-AGGAGCAGGAGCAGATGTTCGCCTTCCGGTCCCGGGCGCGCTCCACCGACACTTTTAACT[A>C]CGCCACCTACCACACCCTGGAGGAGGTGAGGGCGCCCCTAGCGGCCGCTCCCTGCAGCCA-3'
Protein context (NP_001859.1, residues 109-129): SRARSTDTFN[Tyr119Ser]ATYHTLEEIY